The following is an entry in ClinVar:

NM_001203.3(BMPR1B):c.272G>T (p.Arg91Ile)

Gene: BMPR1B (bone morphogenetic protein receptor type 1B; plus strand). Cytogenetic location: 4q22.3.
Variant type: single nucleotide variant.
Coding change: c.272G>T on transcript NM_001203.3 (MANE Select); coding-DNA position 272, G replaced by T.
Protein change: p.Arg91Ile; replaces arginine 91 with isoleucine.
Molecular consequence: missense variant.
Genome position (GRCh38, 1-based): chr4:95,115,710, G>T. VCF-style: chr4-95115710-G-T. GRCh37 (hg19) VCF-style: chr4-96036861-G-T.
Other names: c.272G>T, p.Arg91Ile (NM_001256792.2, NM_001256794.1); c.362G>T, p.Arg121Ile (NM_001256793.2); short protein forms R121I, R91I.
Identifiers: ClinVar variation 2634875 (VCV002634875.4), dbSNP rs376183647, ClinGen allele CA3014931.

ClinVar aggregate classification (germline): Uncertain significance. Review status: criteria provided, multiple submitters, no conflicts (2 of 4 stars). 2 submissions from 2 submitters: Uncertain significance (2). Last evaluated 2026-01-08.

Conditions:
BMPR1B-related disorder. Also called: BMPR1B-related condition.
Type A2 brachydactyly (BDA2). Also called: MOHR-WRIEDT TYPE BRACHYDACTYLY; BRACHYMESOPHALANGY II; Brachymesophalangy type 2. Identifiers: Orphanet 93396, MedGen C1832702, MONDO:0007216, OMIM 112600, HP:0009372.
Acromesomelic dysplasia 3 (AMD3). Also called: CHONDRODYSPLASIA, ACROMESOMELIC, WITH OR WITHOUT GENITAL ANOMALIES; Acromesomelic dysplasia, Demirhan type. Identifiers: MedGen C4225404, MONDO:0012274, OMIM 609441.

Allele frequency attached by ClinVar (database versions not stated): gnomAD 0.00002; TOPMed 0.00003; gnomAD exomes 0.00004; ExAC 0.00007; ESP Exome Variant Server 0.00015.
gnomAD v4.1: 60 of 1,613,528 alleles (0.0037%); highest among the groups gnomAD compares: Admixed American, 0.012%; no homozygotes.

Submissions (2):

Labcorp Genetics (formerly Invitae), Labcorp
Classification: Uncertain significance for Type A2 brachydactyly; Acromesomelic dysplasia 3. Last evaluated: 2026-01-08. Review status: criteria provided, single submitter. Criteria: Invitae Variant Classification Sherloc (09022015). Collection method: clinical testing. Allele origin: germline.
Comment: This sequence change replaces arginine, which is basic and polar, with isoleucine, which is neutral and non-polar, at codon 91 of the BMPR1B protein (p.Arg91Ile). This variant is present in population databases (rs376183647, gnomAD 0.04%). This missense change has been observed in individual(s) with coloboma (PMID: 35034853). ClinVar contains an entry for this variant (Variation ID: 2634875). Invitae Evidence Modeling of protein sequence and biophysical properties (such as structural, functional, and spatial information, amino acid conservation, physicochemical variation, residue mobility, and thermodynamic stability) indicates that this missense variant is not expected to disrupt BMPR1B protein function with a negative predictive value of 80%. In summary, the available evidence is currently insufficient to determine the role of this variant in disease. Therefore, it has been classified as a Variant of Uncertain Significance.

PreventionGenetics, part of Exact Sciences
Classification: Uncertain significance for BMPR1B-related condition. Last evaluated: 2023-02-07. Review status: criteria provided, single submitter. Criteria: ACMG Guidelines, 2015. Collection method: clinical testing. Allele origin: germline.
Comment: The BMPR1B c.272G>T variant is predicted to result in the amino acid substitution p.Arg91Ile. To our knowledge, this variant has not been reported in the literature. This variant is reported in 0.040% of alleles in individuals of Ashkenazi Jewish descent in gnomAD. At this time, the clinical significance of this variant is uncertain due to the absence of conclusive functional and genetic evidence.

Literature cited by the submitters: PubMed 35034853 (cited by Labcorp Genetics (formerly Invitae), Labcorp).